The following is an entry in ClinVar:

ClinVar aggregate classification (germline): Uncertain significance (1 of 4 stars; one submission).

gnomAD v4.1: 7 of 1,614,186 alleles (0.00043%); highest among the groups gnomAD compares: Middle Eastern, 0.016%; no homozygotes.

Submission:

Labcorp Genetics (formerly Invitae), Labcorp
Classification: Uncertain significance. Last evaluated: 2024-09-17. Review status: criteria provided, single submitter. Criteria: Invitae Variant Classification Sherloc (09022015). Collection method: clinical testing. Allele origin: germline.
Comment: This sequence change replaces glycine, which is neutral and non-polar, with arginine, which is basic and polar, at codon 374 of the CARD8 protein (p.Gly374Arg). This variant is present in population databases (rs761765876, gnomAD 0.01%). This variant has not been reported in the literature in individuals affected with CARD8-related conditions. An algorithm developed to predict the effect of missense changes on protein structure and function (PolyPhen-2) suggests that this variant is likely to be tolerated. In summary, the available evidence is currently insufficient to determine the role of this variant in disease. Therefore, it has been classified as a Variant of Uncertain Significance.

NM_001184900.3(CARD8):c.1270G>A (p.Gly424Arg)

Gene: CARD8 (caspase recruitment domain family member 8; minus strand). Cytogenetic location: 19q13.33.
Variant type: single nucleotide variant.
Coding change: c.1270G>A on transcript NM_001184900.3 (MANE Select); coding-DNA position 1270, G replaced by A.
Protein change: p.Gly424Arg; replaces glycine 424 with arginine.
Molecular consequence: missense variant. On other transcripts: non-coding transcript variant (2), intron variant (7).
Genome position (GRCh38, 1-based): chr19:48,218,904, C>T on the plus strand (G>A on the coding strand, the complement: CARD8 is on the minus strand). VCF-style: chr19-48218904-C-T. GRCh37 (hg19) VCF-style: chr19-48722161-C-T.
Other names: c.1120G>A, p.Gly374Arg (NM_014959.5, NM_001184901.1, NM_001351783.2); c.846+2826G>A (NM_001351791.2, NM_001351792.2); c.1011+2826G>A (NM_001351788.2, NM_001351789.2); c.918+2826G>A (NM_001351790.2); c.1161+2826G>A (NM_001184902.2, NM_001184903.1); c.1270G>A, p.Gly424Arg (NM_001351782.2); c.955G>A, p.Gly319Arg (NM_001351784.2, NM_001351787.2); c.934G>A, p.Gly312Arg (NM_001351786.2); and 1 more; short protein forms G318R, G374R, G424R, G319R, G312R.
Identifiers: ClinVar variation 3665910 (VCV003665910.2).